The following is an entry in ClinVar:

NM_182961.4(SYNE1):c.26215G>A (p.Gly8739Ser)

Genes: ESR1 (estrogen receptor 1; plus strand), SYNE1 (spectrin repeat containing nuclear envelope protein 1; minus strand). Cytogenetic location: 6q25.2.
Variant type: single nucleotide variant.
Coding change: c.26215G>A on transcript NM_182961.4 (MANE Select); coding-DNA position 26215, G replaced by A.
Protein change: p.Gly8739Ser; replaces glycine 8739 with serine.
Molecular consequence: missense variant. On other transcripts: intron variant (1), 3 prime UTR variant (1).
Genome position (GRCh38, 1-based): chr6:152,122,615, C>T on the plus strand (G>A on the coding strand, the complement: SYNE1 is on the minus strand). VCF-style: chr6-152122615-C-T. GRCh37 (hg19) VCF-style: chr6-152443750-C-T.
Other names: c.2749G>A, p.Gly917Ser (NM_001347702.2); c.26071G>A, p.Gly8691Ser (NM_033071.5); c.851-2651C>T (NM_001328100.2); c.*26G>A (NM_001347701.2); short protein forms G8691S, G8739S, G917S.
Identifiers: ClinVar variation 1024748 (VCV001024748.7), dbSNP rs780574537, ClinGen allele CA4052601.

ClinVar aggregate classification (germline): Uncertain significance (1 of 4 stars; one submission).

Conditions:
Emery-Dreifuss muscular dystrophy 4, autosomal dominant (EDMD4). Also called: EMERY-DREIFUSS MUSCULAR DYSTROPHY 4 WITH VARIABLE FEATURES. Identifiers: Orphanet 261, MedGen C2751807, MONDO:0013071, OMIM 612998.
Autosomal recessive ataxia, Beauce type. Also called: Spinocerebellar ataxia, autosomal recessive 8; ATAXIA, RECESSIVE, OF BEAUCE; SYNE1-Related Autosomal Recessive Cerebellar Ataxia; SYNE1 Deficiency. Identifiers: Orphanet 88644, MedGen C1853116, MONDO:0012549, OMIM 610743.

Allele frequency attached by ClinVar (database versions not stated): TOPMed 0.00002; ExAC 0.00001; gnomAD 0.00001; gnomAD exomes 0.00001.
gnomAD v4.1: 20 of 1,614,024 alleles (0.0012%); highest among the groups gnomAD compares: South Asian, 0.0066%; 1 homozygote.

Submission:

Labcorp Genetics (formerly Invitae), Labcorp
Classification: Uncertain significance for Emery-Dreifuss muscular dystrophy 4, autosomal dominant; Autosomal recessive ataxia, Beauce type. Last evaluated: 2021-08-31. Review status: criteria provided, single submitter. Criteria: Invitae Variant Classification Sherloc (09022015). Collection method: clinical testing. Allele origin: germline.
Comment: This sequence change replaces glycine with serine at codon 8691 of the SYNE1 protein (p.Gly8691Ser). The glycine residue is weakly conserved and there is a small physicochemical difference between glycine and serine. This variant is present in population databases (rs780574537, ExAC 0.001%). This variant has not been reported in the literature in individuals affected with SYNE1-related conditions. Algorithms developed to predict the effect of missense changes on protein structure and function output the following: SIFT: "Tolerated"; PolyPhen-2: "Benign"; Align-GVGD: "Class C0". The serine amino acid residue is found in multiple mammalian species, which suggests that this missense change does not adversely affect protein function. Algorithms developed to predict the effect of sequence changes on RNA splicing suggest that this variant may create or strengthen a splice site. In summary, the available evidence is currently insufficient to determine the role of this variant in disease. Therefore, it has been classified as a Variant of Uncertain Significance.